The following is an entry in ClinVar:

NM_000465.4(BARD1):c.1383A>G (p.Gly461=)

Gene: BARD1 (BRCA1 associated RING domain 1; minus strand). Cytogenetic location: 2q35.
Variant type: single nucleotide variant.
Coding change: c.1383A>G on transcript NM_000465.4 (MANE Select); coding-DNA position 1383, A replaced by G.
Protein change: p.Gly461=; no amino-acid change (glycine 461 retained).
Molecular consequence: synonymous variant. On other transcripts: non-coding transcript variant (3), intron variant (3).
Genome position (GRCh38, 1-based): chr2:214,769,244, T>C on the plus strand (A>G on the coding strand, the complement: BARD1 is on the minus strand). VCF-style: chr2-214769244-T-C. GRCh37 (hg19) VCF-style: chr2-215633968-T-C.
Other names: c.1326A>G, p.Gly442= (NM_001282543.2); c.159-16689A>G (NM_001282548.2); c.216-16689A>G (NM_001282545.2); c.364+23053A>G (NM_001282549.2).
Identifiers: ClinVar variation 530239 (VCV000530239.24), dbSNP rs148821907, ClinGen allele CA2090274.

ClinVar aggregate classification (germline): Benign/Likely benign. Review status: criteria provided, multiple submitters, no conflicts (2 of 4 stars). 7 submissions from 7 submitters: Benign (1); Likely benign (5). 1 of the submissions does not count toward it. Last evaluated 2025-05-03.

Conditions:
BARD1-related disorder. Also called: BARD1-related condition.
Hereditary cancer-predisposing syndrome. Also called: Hereditary neoplastic syndrome; Neoplastic Syndromes, Hereditary; Hereditary Cancer Syndrome; Tumor predisposition. Identifiers: Orphanet 140162, MedGen C0027672, MeSH D009386, MONDO:0015356.
Familial cancer of breast. Also called: BREAST CANCER, FAMILIAL; Hereditary breast cancer; hereditary breast carcinoma. Identifiers: Orphanet 227535, MedGen C0346153, MONDO:0016419, OMIM 114480. Disease mechanism: loss of function.
BARD1-related cancer predisposition. Identifiers: MedGen CN377756, MONDO:0700267.

Allele frequency attached by ClinVar (database versions not stated): gnomAD exomes below 0.00001; ExAC 0.00001; gnomAD 0.00001; TOPMed 0.00001; ESP Exome Variant Server 0.00008.
gnomAD v4.1: 4 of 1,612,198 alleles (0.00025%); highest among the groups gnomAD compares: South Asian, 0.0011%; no homozygotes.

Submissions (7):

Quest Diagnostics Nichols Institute San Juan Capistrano
Classification: Likely benign. Last evaluated: 2025-05-03. Review status: criteria provided, single submitter. Criteria: Quest Diagnostics criteria. Collection method: clinical testing. Allele origin: unknown.

Department of Pathology and Laboratory Medicine, Sinai Health System
Classification: Likely benign for BARD1-related cancer predisposition. Last evaluated: 2024-11-14. Review status: criteria provided, single submitter. Criteria: ACMG Guidelines, 2015. Collection method: clinical testing. Allele origin: germline.

Myriad Genetics, Inc.
Classification: Benign for Familial cancer of breast. Last evaluated: 2024-07-25. Review status: criteria provided, single submitter. Criteria: Myriad Autosomal Dominant, Autosomal Recessive and X-Linked Classification Criteria (2023). Collection method: clinical testing. Allele origin: unknown.
Comment: This variant is considered benign. This variant is a silent/synonymous amino acid change and it is not expected to impact splicing.

Labcorp Genetics (formerly Invitae), Labcorp
Classification: Likely benign for Familial cancer of breast. Last evaluated: 2024-04-05. Review status: criteria provided, single submitter. Criteria: Invitae Variant Classification Sherloc (09022015). Collection method: clinical testing. Allele origin: germline.

Color Diagnostics, LLC DBA Color Health
Classification: Likely benign for Hereditary cancer-predisposing syndrome. Last evaluated: 2020-08-25. Review status: criteria provided, single submitter. Criteria: ACMG Guidelines, 2015. Collection method: clinical testing. Allele origin: germline.

Ambry Genetics
Classification: Likely benign for Hereditary cancer-predisposing syndrome. Last evaluated: 2018-05-30. Review status: criteria provided, single submitter. Criteria: Ambry Variant Classification Scheme 2023. Collection method: clinical testing. Allele origin: germline.

PreventionGenetics, part of Exact Sciences
Classification: Likely benign for BARD1-related condition. Last evaluated: 2022-07-19. Review status: no assertion criteria provided. Collection method: clinical testing. Allele origin: germline. Not counted in ClinVar's aggregate classification.
Comment: This variant is classified as likely benign based on ACMG/AMP sequence variant interpretation guidelines (Richards et al. 2015 PMID: 25741868, with internal and published modifications).